The following is an entry in ClinVar:

ClinVar aggregate classification (germline): Uncertain significance (1 of 4 stars; one submission).

Conditions:
Hereditary spastic paraplegia 35. Also called: LEUKODYSTROPHY, DYSMYELINATING, AND SPASTIC PARAPARESIS WITH OR WITHOUT DYSTONIA; Spastic paraplegia 35, autosomal recessive; SPASTIC PARAPLEGIA 35, AUTOSOMAL RECESSIVE, WITH OR WITHOUT NEURODEGENERATION; Spastic paraplegia 35. Identifiers: Orphanet 171629, MedGen C3496228, MONDO:0012866, OMIM 612319.

Submission:

Kariminejad - Najmabadi Pathology & Genetics Center
Classification: Uncertain significance for Hereditary spastic paraplegia 35. Last evaluated: 2018-02-25. Review status: criteria provided, single submitter. Criteria: ACMG Guidelines, 2015. Collection method: clinical testing. Allele origin: germline. Inheritance: Autosomal recessive inheritance. Affected: yes.
Comment: PVS1_Moderate,PM2,PP3

NM_024306.5(FA2H):c.3G>A (p.Met1Ile)

Genes: FA2H (fatty acid 2-hydroxylase; minus strand), LOC130059394 (ATAC-STARR-seq lymphoblastoid silent region 7701; plus strand). Cytogenetic location: 16q23.1.
Variant type: single nucleotide variant.
Coding change: c.3G>A on transcript NM_024306.5 (MANE Select); coding-DNA position 3, G replaced by A.
Protein change: p.Met1Ile; changes the start codon (methionine 1).
Molecular consequence: missense variant, initiator codon variant.
Genome position (GRCh38, 1-based): chr16:74,774,753, C>T on the plus strand (G>A on the coding strand, the complement: FA2H is on the minus strand). VCF-style: chr16-74774753-C-T. GRCh37 (hg19) VCF-style: chr16-74808651-C-T.
Other names: short protein forms M1I.
Identifiers: ClinVar variation 3896863 (VCV003896863.1).